The following is an entry in ClinVar:

NM_024589.3(ROGDI):c.117G>T (p.Lys39Asn)

Gene: ROGDI (rogdi atypical leucine zipper; minus strand). Cytogenetic location: 16p13.3.
Variant type: single nucleotide variant.
Coding change: c.117G>T on transcript NM_024589.3 (MANE Select); coding-DNA position 117, G replaced by T.
Protein change: p.Lys39Asn; replaces lysine 39 with asparagine.
Molecular consequence: missense variant. On other transcripts: non-coding transcript variant (1).
Genome position (GRCh38, 1-based): chr16:4,802,382, C>A on the plus strand (G>T on the coding strand, the complement: ROGDI is on the minus strand). VCF-style: chr16-4802382-C-A. GRCh37 (hg19) VCF-style: chr16-4852383-C-A.
Other names: short protein forms K39N.
Identifiers: ClinVar variation 989265 (VCV000989265.11), dbSNP rs956797047, ClinGen allele CA277142840.

ClinVar aggregate classification (germline): Uncertain significance. Review status: criteria provided, multiple submitters, no conflicts (2 of 4 stars). 2 submissions from 2 submitters: Uncertain significance (2). Last evaluated 2021-06-14.

Conditions:
Amelocerebrohypohidrotic syndrome (KTZS). Also called: Kohlschutter's syndrome; EPILEPSY AND YELLOW TEETH; EPILEPSY, DEMENTIA, AND AMELOGENESIS IMPERFECTA; KOHLSCHUTTER SYNDROME. Identifiers: Orphanet 1946, MedGen C0406740, MONDO:0009185, OMIM 226750.

Allele frequency attached by ClinVar (database versions not stated): gnomAD exomes below 0.00001; TOPMed 0.00001.
gnomAD v4.1: 4 of 1,570,700 alleles (0.00025%); highest among the groups gnomAD compares: Admixed American, 0.0019%; no homozygotes.

Submissions (2):

Labcorp Genetics (formerly Invitae), Labcorp
Classification: Uncertain significance for Amelocerebrohypohidrotic syndrome. Last evaluated: 2021-06-14. Review status: criteria provided, single submitter. Criteria: Invitae Variant Classification Sherloc (09022015). Collection method: clinical testing. Allele origin: germline.
Comment: In summary, the available evidence is currently insufficient to determine the role of this variant in disease. Therefore, it has been classified as a Variant of Uncertain Significance. Nucleotide substitutions within the consensus splice site are a relatively common cause of aberrant splicing (PMID: 17576681, 9536098). Algorithms developed to predict the effect of sequence changes on RNA splicing suggest that this variant may disrupt the consensus splice site, but this prediction has not been confirmed by published transcriptional studies. Algorithms developed to predict the effect of missense changes on protein structure and function are either unavailable or do not agree on the potential impact of this missense change (SIFT: "Tolerated"; PolyPhen-2: "Possibly Damaging"; Align-GVGD: "Class C0"). This variant has not been reported in the literature in individuals with ROGDI-related conditions. ClinVar contains an entry for this variant (Variation ID: 989265). The frequency data for this variant in the population databases is considered unreliable, as metrics indicate insufficient coverage at this position in the ExAC database. This sequence change replaces lysine with asparagine at codon 39 of the ROGDI protein (p.Lys39Asn). The lysine residue is highly conserved and there is a moderate physicochemical difference between lysine and asparagine. This variant also falls at the last nucleotide of exon 2, which is part of the consensus splice site for this exon.

Illumina Laboratory Services, Illumina
Classification: Uncertain significance for Amelocerebrohypohidrotic syndrome. Last evaluated: 2019-03-27. Review status: criteria provided, single submitter. Criteria: ICSLVariantClassificationCriteria RUGD 01 April 2020. Collection method: clinical testing. Allele origin: unknown.
Comment: The ROGDI c.117G>T (p.Lys39Asn) variant is a missense variant located in close proximity to a canonical splice donor site (splice region variant). A literature search was performed for the gene, cDNA, and amino acid change. No publications were found based on this search. This variant is not found in the Genome Aggregation Database. The p.Lys39Asn variant resides in the alpha domain and is part of the N-terminal H1 helix that may is required for binding with C-terminal H6 helix. Furthermore, this variant is located in close proximity to a site of a splice donor variant which has been previously published in association with Kohlschutter-Tonz syndrome (Huckert et al. 2014). Based on the limited evidence, the p.Lys39Asn variant is classified as a variant of uncertain significance for Kohlschutter-Tonz syndrome.

Literature cited by the submitters: PubMed 17576681 (cited by Labcorp Genetics (formerly Invitae), Labcorp); PubMed 9536098 (cited by Labcorp Genetics (formerly Invitae), Labcorp); PubMed 25565929 (cited by Illumina Laboratory Services, Illumina).